The following is an entry in ClinVar:

NM_024009.3(GJB3):c.317G>A (p.Arg106His)

Gene: GJB3 (gap junction protein beta 3; plus strand). Cytogenetic location: 1p34.3.
Variant type: single nucleotide variant.
Coding change: c.317G>A on transcript NM_024009.3 (MANE Select); coding-DNA position 317, G replaced by A.
Protein change: p.Arg106His; replaces arginine 106 with histidine.
Molecular consequence: missense variant.
Genome position (GRCh38, 1-based): chr1:34,785,079, G>A. VCF-style: chr1-34785079-G-A. GRCh37 (hg19) VCF-style: chr1-35250680-G-A.
Other names: c.317G>A, p.Arg106His (NM_001005752.2); short protein forms R106H.
Identifiers: ClinVar variation 873945 (VCV000873945.26), dbSNP rs369979083, ClinGen allele CA754807.

ClinVar aggregate classification (germline): Conflicting classifications of pathogenicity. Review status: criteria provided, conflicting classifications (1 of 4 stars). 2 submissions from 2 submitters: Uncertain significance (1); Likely benign (1). Last evaluated 2024-01-01.

Conditions:
Erythrokeratodermia variabilis et progressiva 1 (EKVP1). Also called: ERYTHROKERATODERMIA VARIABILIS WITH ERYTHEMA GYRATUM REPENS; ERYTHROKERATODERMIA, PROGRESSIVE SYMMETRIC; ERYTHROKERATODERMIA FIGURATA, CONGENITAL FAMILIAL, IN PLAQUES. Identifiers: Orphanet 317, MedGen C4551486, MONDO:0033010, OMIM 133200.

Allele frequency attached by ClinVar (database versions not stated): gnomAD 0.00001; TOPMed 0.00001; gnomAD exomes 0.00002; ExAC 0.00004; ESP Exome Variant Server 0.00008; 1000 Genomes Project 0.00020; 1000 Genomes Project 30x 0.00031.

Submissions (2):

CeGaT Center for Human Genetics Tuebingen
Classification: Uncertain significance. Last evaluated: 2024-01-01. Review status: criteria provided, single submitter. Criteria: CeGaT Center For Human Genetics Tuebingen Variant Classification Criteria Version 2. Collection method: clinical testing. Allele origin: germline. Affected: yes. Observed: 2 variant alleles.
Comment: GJB3: PM2

Illumina Laboratory Services, Illumina
Classification: Likely benign for Erythrokeratodermia variabilis et progressiva 1. Last evaluated: 2017-09-27. Review status: criteria provided, single submitter. Criteria: ICSL Variant Classification Criteria 13 December 2019. Collection method: clinical testing. Allele origin: germline.
Comment: This variant was observed as part of a predisposition screen in an ostensibly healthy population. A literature search was performed for the gene, cDNA change, and amino acid change (where applicable). No publications were found based on this search. Allele frequency data from public databases allowed determination this variant is unlikely to cause disease. Therefore, this variant is classified as likely benign.